The following is an entry in ClinVar:

ClinVar aggregate classification (germline): Pathogenic (1 of 4 stars; one submission).

Conditions:
Cerebral cavernous malformation 2. Also called: Familial Cerebral Cavernous Malformation 2. Identifiers: Orphanet 221061, MedGen C1864041, MONDO:0011304, OMIM 603284.

Submission:

Institute of Human Genetics, FAU Erlangen, Friedrich-Alexander-Universität Erlangen-Nürnberg
Classification: Pathogenic for Cerebral cavernous malformation 2. Last evaluated: 2024-09-23. Review status: criteria provided, single submitter. Criteria: Hauer et al. (Genet Med. 2018). Collection method: clinical testing. Allele origin: germline. Inheritance: Unknown mechanism. Affected: yes. Observed: 1 variant allele.
Comment: This variant has been identified by standard clinical testing. Selected ACMG criteria: Pathogenic (I):PP4;PM2;PVS1

NM_031443.4(CCM2):c.289-2A>G

Gene: CCM2 (CCM2 scaffold protein; plus strand). Cytogenetic location: 7p13.
Variant type: single nucleotide variant.
Coding change: c.289-2A>G on transcript NM_031443.4 (MANE Select); the canonical splice acceptor site of the intron before coding-DNA position 289, A replaced by G.
Molecular consequence: splice acceptor variant.
Genome position (GRCh38, 1-based): chr7:45,064,461, A>G. VCF-style: chr7-45064461-A-G. GRCh37 (hg19) VCF-style: chr7-45104060-A-G.
Other names: c.289-2A>G (NM_001363458.2, NM_001167935.2); c.115-2A>G (NM_001363459.2, NM_001167934.2); c.352-2A>G (NM_001029835.2).
Identifiers: ClinVar variation 3340487 (VCV003340487.1).